The following is an entry in ClinVar:

NM_001365951.3(KIF1B):c.2627G>A (p.Gly876Asp)

Gene: KIF1B (kinesin family member 1B; plus strand). Cytogenetic location: 1p36.22.
Variant type: single nucleotide variant.
Coding change: c.2627G>A on transcript NM_001365951.3 (MANE Select); coding-DNA position 2627, G replaced by A.
Protein change: p.Gly876Asp; replaces glycine 876 with aspartic acid.
Molecular consequence: missense variant.
Genome position (GRCh38, 1-based): chr1:10,324,847, G>A. VCF-style: chr1-10324847-G-A. GRCh37 (hg19) VCF-style: chr1-10384905-G-A.
Other names: c.2627G>A, p.Gly876Asp (NM_001365952.1); c.2489G>A, p.Gly830Asp (NM_015074.3); short protein forms G830D, G876D.
Identifiers: ClinVar variation 3628776 (VCV003628776.2).

ClinVar aggregate classification (germline): Uncertain significance (1 of 4 stars; one submission).

Conditions:
Charcot-Marie-Tooth disease type 2. Also called: Charcot-Marie-Tooth type 2. Identifiers: Orphanet 64746, MedGen C0270914, MONDO:0018993.

gnomAD v4.1: 2 of 1,614,148 alleles (0.00012%); highest among the groups gnomAD compares: South Asian, 0.0022%; no homozygotes.

Submission:

Labcorp Genetics (formerly Invitae), Labcorp
Classification: Uncertain significance for Charcot-Marie-Tooth disease type 2. Last evaluated: 2025-05-05. Review status: criteria provided, single submitter. Criteria: Invitae Variant Classification Sherloc (09022015). Collection method: clinical testing. Allele origin: germline.
Comment: This sequence change replaces glycine, which is neutral and non-polar, with aspartic acid, which is acidic and polar, at codon 830 of the KIF1B protein (p.Gly830Asp). This variant is present in population databases (no rsID available, gnomAD 0.003%). This variant has not been reported in the literature in individuals affected with KIF1B-related conditions. ClinVar contains an entry for this variant (Variation ID: 3628776). An algorithm developed to predict the effect of missense changes on protein structure and function (PolyPhen-2) suggests that this variant is likely to be disruptive. In summary, the available evidence is currently insufficient to determine the role of this variant in disease. Therefore, it has been classified as a Variant of Uncertain Significance.